The following is an entry in ClinVar:

NM_000975.5(RPL11):c.160dup (p.Arg54fs)

Gene: RPL11 (ribosomal protein L11; plus strand). Cytogenetic location: 1p36.11.
Variant type: Duplication.
Coding change: c.160dup on transcript NM_000975.5 (MANE Select); coding-DNA position 160, one base duplicated (A; older notation c.160dupA).
Protein change: p.Arg54fs; shifts the reading frame from arginine 54.
Molecular consequence: frameshift variant.
Genome position (GRCh38, 1-based): chr1:23,693,809, A duplicated. VCF-style (leftmost placement, unchanged base first): chr1-23693808-T-TA. GRCh37 (hg19) VCF-style: chr1-24020298-T-TA.
Other names: c.157dup, p.Arg53fs (NM_001199802.1); short protein forms R53fs, R54fs.
Identifiers: ClinVar variation 856991 (VCV000856991.10), dbSNP rs1644516691, ClinGen allele CA916082006.

ClinVar aggregate classification (germline): Pathogenic (1 of 4 stars; one submission).

Conditions:
Diamond-Blackfan anemia. Also called: Blackfan Diamond syndrome; Aregenerative anemia chronic congenital; Red cell aplasia, pure hereditary; Congenital hypoplastic anemia; Aase syndrome. Identifiers: Orphanet 124, MedGen C1260899, MeSH D029503, MONDO:0015253, HP:0004810.

Submission:

Labcorp Genetics (formerly Invitae), Labcorp
Classification: Pathogenic for Diamond-Blackfan anemia. Last evaluated: 2019-12-20. Review status: criteria provided, single submitter. Criteria: Invitae Variant Classification Sherloc (09022015). Collection method: clinical testing. Allele origin: germline.
Comment: Loss-of-function variants in RPL11 are known to be pathogenic (PMID: 19061985, 19773262). For these reasons, this variant has been classified as Pathogenic. This variant has been observed in an individuals with clinical features of Diamond-Blackfan anemia (PMID: 19061985). This variant is not present in population databases (ExAC no frequency). This sequence change creates a premature translational stop signal (p.Arg54Lysfs*13) in the RPL11 gene. It is expected to result in an absent or disrupted protein product.

Literature cited by the submitters: PubMed 19061985; PubMed 19773262.